The following is an entry in ClinVar:

ClinVar aggregate classification (germline): Conflicting classifications of pathogenicity. Review status: criteria provided, conflicting classifications (1 of 4 stars). 4 submissions from 4 submitters: Uncertain significance (2); Likely benign (2). Last evaluated 2024-12-15.

Conditions:
Hereditary cancer-predisposing syndrome. Also called: Neoplastic Syndromes, Hereditary; Tumor predisposition; Hereditary Cancer Syndrome; Hereditary neoplastic syndrome. Identifiers: Orphanet 140162, MedGen C0027672, MeSH D009386, MONDO:0015356.
Hereditary breast ovarian cancer syndrome. Also called: BRCA1- and BRCA2-Associated Hereditary Breast and Ovarian Cancer; Hereditary breast and ovarian cancer syndrome; Hereditary breast and ovarian cancer; Hereditary breast and ovarian cancer syndrome (HBOC); Breast and ovarian cancer; Hereditary breast and/or ovarian cancer syndrome. Identifiers: Orphanet 145, MedGen C0677776, MeSH D061325, MONDO:0003582. Disease mechanism: loss of function.

Allele frequency attached by ClinVar (database versions not stated): gnomAD exomes below 0.00001; TOPMed below 0.00001.
gnomAD v4.1: 1 of 1,613,622 alleles (0.000062%); highest among the groups gnomAD compares: African/African-American, 0.0013%; no homozygotes.

Submissions (4):

Labcorp Genetics (formerly Invitae), Labcorp
Classification: Uncertain significance for Hereditary breast ovarian cancer syndrome. Last evaluated: 2024-12-15. Review status: criteria provided, single submitter. Criteria: Invitae Variant Classification Sherloc (09022015). Collection method: clinical testing. Allele origin: germline.
Comment: This sequence change replaces proline, which is neutral and non-polar, with leucine, which is neutral and non-polar, at codon 1819 of the BRCA2 protein (p.Pro1819Leu). This variant is not present in population databases (gnomAD no frequency). This variant has not been reported in the literature in individuals affected with BRCA2-related conditions. ClinVar contains an entry for this variant (Variation ID: 231539). Invitae Evidence Modeling of protein sequence and biophysical properties (such as structural, functional, and spatial information, amino acid conservation, physicochemical variation, residue mobility, and thermodynamic stability) indicates that this missense variant is not expected to disrupt BRCA2 protein function with a negative predictive value of 95%. In summary, the available evidence is currently insufficient to determine the role of this variant in disease. Therefore, it has been classified as a Variant of Uncertain Significance.

Ambry Genetics
Classification: Likely benign for Hereditary cancer-predisposing syndrome. Last evaluated: 2024-02-12. Review status: criteria provided, single submitter. Criteria: Ambry Variant Classification Scheme 2023. Collection method: clinical testing. Allele origin: germline.

University of Washington Department of Laboratory Medicine, University of Washington
Classification: Likely benign for Hereditary cancer-predisposing syndrome. Last evaluated: 2023-03-23. Review status: criteria provided, single submitter. Criteria: Dines et al. (Genet Med. 2020). Collection method: curation. Allele origin: germline.
Comment: Missense variant in a coldspot region where missense variants are very unlikely to be pathogenic (PMID:31911673).

BRCA2 exon 11 coldspot. Reclassification based on statistical prior probability.

Women's Health and Genetics/Laboratory Corporation of America, LabCorp
Classification: Uncertain significance. Last evaluated: 2021-05-27. Review status: criteria provided, single submitter. Criteria: LabCorp Variant Classification Summary - May 2015. Collection method: clinical testing. Allele origin: germline.
Comment: Variant summary: BRCA2 c.5456C>T (p.Pro1819Leu) results in a non-conservative amino acid change in the encoded protein sequence. Four of five in-silico tools predict a benign effect of the variant on protein function. The variant was absent in 251098 control chromosomes (gnomAD). The available data on variant occurrences in the general population are insufficient to allow any conclusion about variant significance. To our knowledge, no occurrence of c.5456C>T in individuals affected with Hereditary Breast And Ovarian Cancer Syndrome and no experimental evidence demonstrating its impact on protein function have been reported. Two ClinVar submitters (evaluation after 2014) cite the variant as uncertain significance. Based on the evidence outlined above, the variant was classified as uncertain significance.

Literature cited by the submitters: PubMed 29884841 (cited by Ambry Genetics).

NM_000059.4(BRCA2):c.5456C>T (p.Pro1819Leu)

Gene: BRCA2 (BRCA2 DNA repair associated; plus strand). Cytogenetic location: 13q13.1.
Variant type: single nucleotide variant.
Coding change: c.5456C>T on transcript NM_000059.4 (MANE Select); coding-DNA position 5456, C replaced by T.
Protein change: p.Pro1819Leu; replaces proline 1819 with leucine.
Molecular consequence: missense variant.
Genome position (GRCh38, 1-based): chr13:32,339,811, C>T. VCF-style: chr13-32339811-C-T. GRCh37 (hg19) VCF-style: chr13-32913948-C-T.
Other names: short protein forms P1819L.
Identifiers: ClinVar variation 231539 (VCV000231539.18), dbSNP rs876659214, ClinGen allele CA10579656.